The following is an entry in ClinVar:

NM_015662.3(IFT172):c.2084A>G (p.Tyr695Cys)

Gene: IFT172 (intraflagellar transport 172; minus strand). Cytogenetic location: 2p23.3.
Variant type: single nucleotide variant.
Coding change: c.2084A>G on transcript NM_015662.3 (MANE Select); coding-DNA position 2084, A replaced by G.
Protein change: p.Tyr695Cys; replaces tyrosine 695 with cysteine.
Molecular consequence: missense variant.
Genome position (GRCh38, 1-based): chr2:27,462,732, T>C on the plus strand (A>G on the coding strand, the complement: IFT172 is on the minus strand). VCF-style: chr2-27462732-T-C. GRCh37 (hg19) VCF-style: chr2-27685599-T-C.
Other names: short protein forms Y695C.
Identifiers: ClinVar variation 937729 (VCV000937729.7), dbSNP rs1666775725, ClinGen allele CA346385047.

ClinVar aggregate classification (germline): Uncertain significance (1 of 4 stars; one submission).

Conditions:
Short-rib thoracic dysplasia 10 with or without polydactyly (SRTD10). Identifiers: Orphanet 474, MedGen C3810175, MONDO:0014284, OMIM 615630.
Retinitis pigmentosa 71 (RP71). Identifiers: Orphanet 791, MedGen C4225342, MONDO:0014618, OMIM 616394.

Allele frequency attached by ClinVar (database versions not stated): gnomAD exomes below 0.00001.

Submission:

Labcorp Genetics (formerly Invitae), Labcorp
Classification: Uncertain significance for Retinitis pigmentosa 71; Short-rib thoracic dysplasia 10 with or without polydactyly. Last evaluated: 2021-09-02. Review status: criteria provided, single submitter. Criteria: Invitae Variant Classification Sherloc (09022015). Collection method: clinical testing. Allele origin: germline.
Comment: This sequence change replaces tyrosine with cysteine at codon 695 of the IFT172 protein (p.Tyr695Cys). The tyrosine residue is moderately conserved and there is a large physicochemical difference between tyrosine and cysteine. This variant is not present in population databases (ExAC no frequency). This variant has not been reported in the literature in individuals affected with IFT172-related conditions. Algorithms developed to predict the effect of missense changes on protein structure and function are either unavailable or do not agree on the potential impact of this missense change (SIFT: "Deleterious"; PolyPhen-2: "Benign"; Align-GVGD: "Class C0"). In summary, the available evidence is currently insufficient to determine the role of this variant in disease. Therefore, it has been classified as a Variant of Uncertain Significance.